The following is an entry in ClinVar:

ClinVar aggregate classification (germline): Uncertain significance (1 of 4 stars; one submission).

Conditions:
Brugada syndrome 4 (BRGDA4). Identifiers: Orphanet 130, MedGen C2678477, MONDO:0012743, OMIM 611876.

Submission:

Labcorp Genetics (formerly Invitae), Labcorp
Classification: Uncertain significance for Brugada syndrome 4. Last evaluated: 2024-10-29. Review status: criteria provided, single submitter. Criteria: Invitae Variant Classification Sherloc (09022015). Collection method: clinical testing. Allele origin: germline.
Comment: This sequence change replaces alanine, which is neutral and non-polar, with proline, which is neutral and non-polar, at codon 372 of the CACNB2 protein (p.Ala372Pro). This variant is not present in population databases (gnomAD no frequency). This variant has not been reported in the literature in individuals affected with CACNB2-related conditions. Invitae Evidence Modeling of protein sequence and biophysical properties (such as structural, functional, and spatial information, amino acid conservation, physicochemical variation, residue mobility, and thermodynamic stability) indicates that this missense variant is expected to disrupt CACNB2 protein function with a positive predictive value of 80%. In summary, the available evidence is currently insufficient to determine the role of this variant in disease. Therefore, it has been classified as a Variant of Uncertain Significance.

NM_201596.3(CACNB2):c.1276G>C (p.Ala426Pro)

Gene: CACNB2 (calcium voltage-gated channel auxiliary subunit beta 2; plus strand). Cytogenetic location: 10p12.31.
Variant type: single nucleotide variant.
Coding change: c.1276G>C on transcript NM_201596.3 (MANE Select); coding-DNA position 1276, G replaced by C.
Protein change: p.Ala426Pro; replaces alanine 426 with proline.
Molecular consequence: missense variant.
Genome position (GRCh38, 1-based): chr10:18,536,170, G>C. VCF-style: chr10-18536170-G-C. GRCh37 (hg19) VCF-style: chr10-18825099-G-C.
Other names: c.1111G>C, p.Ala371Pro (NM_000724.4); c.1078G>C, p.Ala360Pro (NM_001167945.2); c.997G>C, p.Ala333Pro (NM_001330060.2); c.1018G>C, p.Ala340Pro (NM_001410882.1); c.1132G>C, p.Ala378Pro (NM_201570.3); c.1192G>C, p.Ala398Pro (NM_201571.4); c.1120G>C, p.Ala374Pro (NM_201572.4); c.1114G>C, p.Ala372Pro (NM_201590.3); and 2 more; short protein forms A333P, A372P, A378P, A398P, A402P, A340P, A374P, A371P.
Identifiers: ClinVar variation 3631519 (VCV003631519.2).
Genomic context (GRCh38, chr10:18,536,170, plus strand): 5'-AGGTTAATAAAATCTCGAGGGAAATCTCAAGCTAAACACCTCAACGTCCAGATGGTAGCA[G>C]CTGATAAACTGGCTCAGTGTCCTCCAGTAAGTTATCTCTATATACAGCATAATCCAGTTA-3'
Protein context (NP_963890.2, residues 416-436): AKHLNVQMVA[Ala426Pro]DKLAQCPPEL